The following is an entry in ClinVar:

ClinVar aggregate classification (germline): Uncertain significance (1 of 4 stars; one submission).

Submission:

Labcorp Genetics (formerly Invitae), Labcorp
Classification: Uncertain significance. Last evaluated: 2022-05-06. Review status: criteria provided, single submitter. Criteria: Invitae Variant Classification Sherloc (09022015). Collection method: clinical testing. Allele origin: germline.
Comment: This variant is a gross deletion of the genomic region encompassing exon(s) 2 of the TRIT1 gene. This variant would be expected to be in-frame, preserving the integrity of the reading frame. This variant has not been reported in the literature in individuals affected with TRIT1-related conditions. In summary, the available evidence is currently insufficient to determine the role of this variant in disease. Therefore, it has been classified as a Variant of Uncertain Significance.

NC_000001.10:g.(?_40322929)_(40323109_?)del

Gene: TRIT1 (tRNA isopentenyltransferase 1; minus strand). Cytogenetic location: 1p34.2.
Variant type: Deletion.
Identifiers: ClinVar variation 2426335 (VCV002426335.3).